The following is an entry in ClinVar:

ClinVar aggregate classification (germline): Conflicting classifications of pathogenicity. Review status: criteria provided, conflicting classifications (1 of 4 stars). 2 submissions from 2 submitters: Likely pathogenic (1); Uncertain significance (1). Last evaluated 2024-12-16.

Conditions:
Hereditary cancer-predisposing syndrome. Also called: Tumor predisposition; Hereditary neoplastic syndrome; Neoplastic Syndromes, Hereditary; Hereditary Cancer Syndrome. Identifiers: Orphanet 140162, MedGen C0027672, MeSH D009386, MONDO:0015356.

Allele frequency attached by ClinVar (database versions not stated): gnomAD exomes below 0.00001.
gnomAD v4.1: 1 of 1,608,142 alleles (0.000062%); highest among the groups gnomAD compares: Non-Finnish European, 0.000085%; no homozygotes.

Submissions (2):

Ambry Genetics
Classification: Uncertain significance for Hereditary cancer-predisposing syndrome. Last evaluated: 2024-12-16. Review status: criteria provided, single submitter. Criteria: Ambry Variant Classification Scheme 2023. Collection method: clinical testing. Allele origin: germline.
Comment: The c.2320-2A>G intronic variant results from an A to G substitution two nucleotides upstream from coding exon 21 in the POLE gene. This nucleotide position is highly conserved in available vertebrate species. In silico splice site analysis predicts that this alteration will weaken the native splice acceptor site and will result in the creation or strengthening of a novel splice acceptor site. Loss-of-function variants subject to nonsense mediated decay (NMD) in POLE are known to cause POLE deficiency; however, such associations with POLE-related polymerase proofreading-associated polyposis (PPAP) have not been reported. Based on the supporting evidence, this alteration is likely pathogenic for POLE deficiency; however, the association of this alteration with POLE-related PPAP is unknown.

Labcorp Genetics (formerly Invitae), Labcorp
Classification: Likely pathogenic. Last evaluated: 2022-05-12. Review status: criteria provided, single submitter. Criteria: Invitae Variant Classification Sherloc (09022015). Collection method: clinical testing. Allele origin: germline.
Comment: In summary, the currently available evidence indicates that the variant is pathogenic, but additional data are needed to prove that conclusively. Therefore, this variant has been classified as Likely Pathogenic. Algorithms developed to predict the effect of sequence changes on RNA splicing suggest that this variant may disrupt the consensus splice site. This variant has not been reported in the literature in individuals affected with POLE-related conditions. This variant is not present in population databases (gnomAD no frequency). This sequence change affects an acceptor splice site in intron 20 of the POLE gene. It is expected to disrupt RNA splicing. Variants that disrupt the donor or acceptor splice site typically lead to a loss of protein function (PMID: 16199547), and loss-of-function variants in POLE are known to be pathogenic (PMID: 23230001, 25948378, 30503519).

Literature cited by the submitters: PubMed 16199547 (cited by Labcorp Genetics (formerly Invitae), Labcorp); PubMed 23230001 (cited by Labcorp Genetics (formerly Invitae), Labcorp); PubMed 25948378 (cited by Labcorp Genetics (formerly Invitae), Labcorp); PubMed 30503519 (cited by Labcorp Genetics (formerly Invitae), Labcorp).

NM_006231.4(POLE):c.2320-2A>G

Gene: POLE (DNA polymerase epsilon, catalytic subunit; minus strand). Cytogenetic location: 12q24.33.
Variant type: single nucleotide variant.
Coding change: c.2320-2A>G on transcript NM_006231.4 (MANE Select); the canonical splice acceptor site of the intron before coding-DNA position 2320, A replaced by G.
Molecular consequence: splice acceptor variant.
Genome position (GRCh38, 1-based): chr12:132,665,452, T>C on the plus strand (A>G on the coding strand, the complement: POLE is on the minus strand). VCF-style: chr12-132665452-T-C. GRCh37 (hg19) VCF-style: chr12-133242038-T-C.
Other names: c.2320-2A>G (NM_006231.2).
Identifiers: ClinVar variation 1499343 (VCV001499343.9), dbSNP rs2135962410, ClinGen allele CA387398171.